The following is an entry in ClinVar:

NM_006237.4(POU4F1):c.798C>T (p.Arg266=)

Genes: OBI1-AS1 (OBI1 antisense RNA 1; plus strand), POU4F1 (POU class 4 homeobox 1; minus strand). Cytogenetic location: 13q31.1.
Variant type: single nucleotide variant.
Coding change: c.798C>T on transcript NM_006237.4 (MANE Select); coding-DNA position 798, C replaced by T.
Protein change: p.Arg266=; no amino-acid change (arginine 266 retained).
Molecular consequence: synonymous variant.
Genome position (GRCh38, 1-based): chr13:78,601,877, G>A on the plus strand (C>T on the coding strand, the complement: POU4F1 is on the minus strand). VCF-style: chr13-78601877-G-A. GRCh37 (hg19) VCF-style: chr13-79176012-G-A.
Identifiers: ClinVar variation 3032204 (VCV003032204.1), dbSNP rs1449287794, ClinGen allele CA484489224.

ClinVar aggregate classification (germline): Likely benign (1 of 4 stars; one submission).

Conditions:
POU4F1-related disorder. Also called: POU4F1-related condition.

gnomAD v4.1: 6 of 1,578,216 alleles (0.00038%); highest among the groups gnomAD compares: African/African-American, 0.0041%; no homozygotes.

Submission:

PreventionGenetics, part of Exact Sciences
Classification: Likely benign for POU4F1-related condition. Last evaluated: 2023-09-29. Review status: criteria provided, single submitter. Criteria: ACMG Guidelines, 2015. Collection method: clinical testing. Allele origin: germline.
Comment: This variant is classified as likely benign based on ACMG/AMP sequence variant interpretation guidelines (Richards et al. 2015 PMID: 25741868, with internal and published modifications).